The following is an entry in ClinVar:

NM_001034853.2(RPGR):c.1399C>T (p.Gln467Ter)

Gene: RPGR (retinitis pigmentosa GTPase regulator; minus strand).
Variant type: single nucleotide variant.
Coding change: c.1399C>T on transcript NM_001034853.2 (MANE Select); coding-DNA position 1399, C replaced by T.
Protein change: p.Gln467Ter; replaces glutamine 467 with a stop codon.
Molecular consequence: nonsense. On other transcripts: non-coding transcript variant (6).
Other names: NM_001034853.2:c.1399C>T; c.1399C>T, p.Gln467Ter (NM_000328.3, NM_001367247.1); c.1396C>T, p.Gln466Ter (NM_001367245.1, NM_001367249.1, NM_001367250.1); c.1213C>T, p.Gln405Ter (NM_001367246.1, NM_001367251.1); c.1429C>T, p.Gln477Ter (NM_001367248.1); short protein forms Q405*, Q466*, Q467*, Q477*.
Identifiers: ClinVar variation 4686677 (VCV004686677.3).

ClinVar aggregate classification (germline): Pathogenic. Review status: reviewed by expert panel (3 of 4 stars). 3 submissions from 3 submitters: Pathogenic (1). 2 of the submissions do not count toward it. Last evaluated 2026-01-25.

Conditions:
RPGR-related retinopathy. Also called: RPGR retinopathy. Identifiers: MedGen CN305589, MONDO:0100437.
RPGR-related disorder. Also called: RPGR-related condition.

Submissions (3):

ClinGen X-linked Inherited Retinal Disease Variant Curation Expert Panel, ClinGen
Classification: Pathogenic for RPGR-related retinopathy. Last evaluated: 2026-01-25. Review status: reviewed by expert panel. Criteria: ClinGen X LinkedIRD ACMG Specifications RPGR V1.0.0. Collection method: curation. Allele origin: germline. Inheritance: X-linked inheritance.
Comment: NM_001034853.2(RPGR):c.1399C>T (p.Gln467Ter) is a nonsense variant that introduces a premature stop codon in exon 11 of 15 that is predicted to trigger nonsense-mediated decay (PVS1). This variant is absent from hemizygous individuals in gnomAD v4.1.0 (PM2_Supporting). At least one proband harboring this variant exhibits a phenotype including family history with a delayed or milder phenotype in females (1 pt), night blindness (0.5 pts), severe myopia (1 pt), reduced visual acuity (0.5 pts), optic nerve pallor (0.5 pts), and pigmentary retinopathy (0.5 pts), which together are specific for RPGR-related retinopathy (4 points, PMID: 36276946, PP4). The variant has been reported to segregate with retinal dystrophy through an affected mother and son. (PMID: 36276946, PP1). In summary, this variant is classified as pathogenic for RPGR-related retinopathy based on the ClinGen X-linked Inherited Retinal Disease Expert Panel Specifications to the ACMG/AMP Variant Interpretation Guidelines for RPGR Version 1.0.0; PVS1, PM2_Supporting, PP4, and PP1.

Dasa
Classification: Pathogenic. Last evaluated: 2024-12-02. Review status: criteria provided, single submitter. Criteria: DASA Assertion Criteria. Collection method: clinical testing. Allele origin: germline. Not counted in ClinVar's aggregate classification.
Comment: NM_001034853.2(RPGR):c.1399C>T (p.Gln467*) introduces a premature termination codon predicted to result in loss of normal protein function. Loss-of-function is an established mechanism of disease for this gene. This variant has been observed in affected individuals with related phenotype in a genotype context consistent with recessive disease. Multiple computational predictions support a deleterious effect on the gene or gene product. The variant is present at low frequency in population datasets. Based on the available data, this variant is classified as pathogenic.

Blueprint Genetics
Classification: Pathogenic for RPGR-related disorders. Last evaluated: 2020-12-17. Review status: criteria provided, single submitter. Criteria: ACMG Guidelines, 2015. Collection method: clinical testing. Allele origin: germline. Affected: yes. Observed: 2 variant alleles. Not counted in ClinVar's aggregate classification.